The following is an entry in ClinVar:

ClinVar aggregate classification (germline): Likely pathogenic (1 of 4 stars; one submission).

Submission:

GeneDx
Classification: Likely pathogenic. Last evaluated: 2024-12-14. Review status: criteria provided, single submitter. Criteria: GeneDx Variant Classification Process June 2021. Collection method: clinical testing. Allele origin: germline. Affected: yes.
Comment: Not observed at significant frequency in large population cohorts (gnomAD); In silico analysis supports that this missense variant has a deleterious effect on protein structure/function; Has not been previously published as pathogenic or benign to our knowledge; This substitution is predicted to be within the C-terminal cytoplasmic domain

NM_172107.4(KCNQ2):c.1877T>G (p.Val626Gly)

Gene: KCNQ2 (potassium voltage-gated channel subfamily Q member 2; minus strand). Cytogenetic location: 20q13.33.
Variant type: single nucleotide variant.
Coding change: c.1877T>G on transcript NM_172107.4 (MANE Select); coding-DNA position 1877, T replaced by G.
Protein change: p.Val626Gly; replaces valine 626 with glycine.
Molecular consequence: missense variant.
Genome position (GRCh38, 1-based): chr20:63,408,423, A>C on the plus strand (T>G on the coding strand, the complement: KCNQ2 is on the minus strand). VCF-style: chr20-63408423-A-C. GRCh37 (hg19) VCF-style: chr20-62039776-A-C.
Other names: c.1931T>G, p.Val644Gly (NM_001382235.1); c.1793T>G, p.Val598Gly (NM_004518.6); c.1823T>G, p.Val608Gly (NM_172106.3); c.1784T>G, p.Val595Gly (NM_172108.5); short protein forms V595G, V598G, V608G, V626G, V644G.
Identifiers: ClinVar variation 3903273 (VCV003903273.1).